The following is an entry in ClinVar:

NM_000373.4(UMPS):c.2T>A (p.Met1Lys)

Gene: UMPS (uridine monophosphate synthetase; plus strand). Cytogenetic location: 3q21.2.
Variant type: single nucleotide variant.
Coding change: c.2T>A on transcript NM_000373.4 (MANE Select); coding-DNA position 2, T replaced by A.
Protein change: p.Met1Lys; changes the start codon (methionine 1).
Molecular consequence: missense variant, initiator codon variant. On other transcripts: non-coding transcript variant (2).
Genome position (GRCh38, 1-based): chr3:124,730,473, T>A. VCF-style: chr3-124730473-T-A. GRCh37 (hg19) VCF-style: chr3-124449320-T-A.
Other names: short protein forms M1K.
Identifiers: ClinVar variation 3067691 (VCV003067691.21), dbSNP rs1229286305, ClinGen allele CA354268098.

ClinVar aggregate classification (germline): Uncertain significance (1 of 4 stars; one submission).

Submission:

CeGaT Center for Human Genetics Tuebingen
Classification: Uncertain significance. Last evaluated: 2024-05-01. Review status: criteria provided, single submitter. Criteria: CeGaT Center For Human Genetics Tuebingen Variant Classification Criteria Version 2. Collection method: clinical testing. Allele origin: germline. Affected: yes. Observed: 2 variant alleles.
Comment: UMPS: PM2, PP4:Moderate, PVS1:Supporting